The following is an entry in ClinVar:

NM_005732.4(RAD50):c.3880G>A (p.Asp1294Asn)

Genes: TH2LCRR (T helper type 2 locus control region associated RNA; minus strand), RAD50 (RAD50 double strand break repair protein; plus strand). Cytogenetic location: 5q31.1.
Variant type: single nucleotide variant.
Coding change: c.3880G>A on transcript NM_005732.4 (MANE Select); coding-DNA position 3880, G replaced by A.
Protein change: p.Asp1294Asn; replaces aspartic acid 1294 with asparagine.
Molecular consequence: missense variant.
Genome position (GRCh38, 1-based): chr5:132,642,305, G>A. VCF-style: chr5-132642305-G-A. GRCh37 (hg19) VCF-style: chr5-131977997-G-A.
Other names: short protein forms D1294N.
Identifiers: ClinVar variation 142255 (VCV000142255.19), dbSNP rs587782339, ClinGen allele CA167888.

ClinVar aggregate classification (germline): Conflicting classifications of pathogenicity. Review status: criteria provided, conflicting classifications (1 of 4 stars). 5 submissions from 5 submitters: Uncertain significance (4); Likely benign (1). Last evaluated 2024-08-05.

Conditions:
Hereditary cancer-predisposing syndrome. Also called: Neoplastic Syndromes, Hereditary; Tumor predisposition; Hereditary Cancer Syndrome; Hereditary neoplastic syndrome. Identifiers: Orphanet 140162, MedGen C0027672, MeSH D009386, MONDO:0015356.
Nijmegen breakage syndrome-like disorder (NBSLD). Also called: MICROCEPHALY AND SPONTANEOUS CHROMOSOME INSTABILITY WITHOUT IMMUNODEFICIENCY; NBS-LIKE DISORDER; RAD50 DEFICIENCY. Identifiers: Orphanet 240760, MedGen C2751318, MONDO:0013118, OMIM 613078.

Allele frequency attached by ClinVar (database versions not stated): ExAC 0.00002; gnomAD exomes 0.00002; TOPMed 0.00002; gnomAD 0.00005.
gnomAD v4.1: 36 of 1,613,806 alleles (0.0022%); highest among the groups gnomAD compares: African/African-American, 0.012%; no homozygotes.

Submissions (5):

Labcorp Genetics (formerly Invitae), Labcorp
Classification: Uncertain significance for Hereditary cancer-predisposing syndrome. Last evaluated: 2024-08-05. Review status: criteria provided, single submitter. Criteria: Invitae Variant Classification Sherloc (09022015). Collection method: clinical testing. Allele origin: germline.
Comment: This sequence change replaces aspartic acid, which is acidic and polar, with asparagine, which is neutral and polar, at codon 1294 of the RAD50 protein (p.Asp1294Asn). This variant is present in population databases (rs587782339, gnomAD 0.01%). This variant has not been reported in the literature in individuals affected with RAD50-related conditions. ClinVar contains an entry for this variant (Variation ID: 142255). Advanced modeling of protein sequence and biophysical properties (such as structural, functional, and spatial information, amino acid conservation, physicochemical variation, residue mobility, and thermodynamic stability) performed at Invitae indicates that this missense variant is not expected to disrupt RAD50 protein function with a negative predictive value of 80%. In summary, the available evidence is currently insufficient to determine the role of this variant in disease. Therefore, it has been classified as a Variant of Uncertain Significance.

Quest Diagnostics Nichols Institute San Juan Capistrano
Classification: Uncertain significance. Last evaluated: 2024-07-31. Review status: criteria provided, single submitter. Criteria: Quest Diagnostics criteria. Collection method: clinical testing. Allele origin: unknown.
Comment: The RAD50 c.3880G>A (p.Asp1294Asn) variant has been reported in a case-control study in several breast cancer cases as well as in a reportedly healthy individual (PMID: 33471991 (2021), see also LOVD. The frequency of this variant in the general population, 0.000098 (3/30602 chromosomes (Genome Aggregation Database)), is uninformative in the assessment of its pathogenicity. Analysis of this variant using bioinformatics tools for the prediction of the effect of amino acid changes on protein structure and function yielded predictions that this variant is benign. Based on the available information, we are unable to determine the clinical significance of this variant.

Fulgent Genetics
Classification: Uncertain significance for Nijmegen breakage syndrome-like disorder. Last evaluated: 2024-01-03. Review status: criteria provided, single submitter. Criteria: ACMG Guidelines, 2015. Collection method: clinical testing. Allele origin: germline.

Ambry Genetics
Classification: Likely benign for Hereditary cancer-predisposing syndrome. Last evaluated: 2023-12-06. Review status: criteria provided, single submitter. Criteria: Ambry Variant Classification Scheme 2023. Collection method: clinical testing. Allele origin: germline.

Sema4
Classification: Uncertain significance for Nijmegen breakage syndrome-like disorder. Last evaluated: 2021-07-12. Review status: criteria provided, single submitter. Criteria: Sema4 Curation Guidelines. Collection method: curation. Allele origin: germline.
Comment: The RAD50 c.3880G>A (p.D1294N) variant has not been reported in the literature in individuals with RAD50-related disease to our knowledge. This variant was observed in 3/30602 chromosomes in the South Asian population, with no homozygotes, according to the Genome Aggregation Database (PMID: 32461654). The variant has been reported in ClinVar (Variation ID 142255). In silico tools suggest the impact of the variant on protein function is inconclusive, though these predictions have not been confirmed by functional studies. The overall evidence is insufficient to meet ACMG/AMP criteria for classifying it as benign or pathogenic. In summary, the clinical significance of this variant is currently uncertain.

Literature cited by the submitters: PubMed 33471991 (cited by Quest Diagnostics Nichols Institute San Juan Capistrano).